The following is an entry in ClinVar:

NM_024411.5(PDYN):c.674G>A (p.Arg225His)

Genes: PDYN (prodynorphin; minus strand), PDYN-AS1 (PDYN antisense RNA 1; plus strand). Cytogenetic location: 20p13.
Variant type: single nucleotide variant.
Coding change: c.674G>A on transcript NM_024411.5 (MANE Select); coding-DNA position 674, G replaced by A.
Protein change: p.Arg225His; replaces arginine 225 with histidine.
Molecular consequence: missense variant.
Genome position (GRCh38, 1-based): chr20:1,980,414, C>T on the plus strand (G>A on the coding strand, the complement: PDYN is on the minus strand). VCF-style: chr20-1980414-C-T. GRCh37 (hg19) VCF-style: chr20-1961060-C-T.
Other names: c.674G>A, p.Arg225His (NM_001190892.1, NM_001190898.3, NM_001190899.2 and 1 more transcripts); short protein forms R225H.
Identifiers: ClinVar variation 432778 (VCV000432778.2), dbSNP rs751761506, ClinGen allele CA9730234.

ClinVar aggregate classification (germline): Uncertain significance (1 of 4 stars; one submission).

Allele frequency attached by ClinVar (database versions not stated): gnomAD below 0.00001 and 0.00001; gnomAD exomes below 0.00001; ExAC 0.00001.

Submission:

GeneDx
Classification: Uncertain significance. Last evaluated: 2017-06-13. Review status: criteria provided, single submitter. Criteria: GeneDx Variant Classification (06012015). Collection method: clinical testing. Allele origin: germline. Affected: yes.
Comment: The R225H variant in the PDYN gene has not been reported previously as a pathogenic variant, nor as a benign variant, to our knowledge. The R225H variant is observed in 1/8654 (0.012%) alleles from individuals of East Asian background, in the ExAC dataset (Lek et al., 2016). The R225H variant is a conservative amino acid substitution, which is not likely to impact secondary protein structure as these residues share similar properties. This substitution occurs at a position that is conserved across species. In silico analysis predicts this variant is probably damaging to the protein structure/function. We interpret R225H as a variant of uncertain significance.